The following is an entry in ClinVar:

NM_000836.4(GRIN2D):c.3518G>C (p.Ser1173Thr)

Gene: GRIN2D (glutamate ionotropic receptor NMDA type subunit 2D; plus strand). Cytogenetic location: 19q13.33.
Variant type: single nucleotide variant.
Coding change: c.3518G>C on transcript NM_000836.4 (MANE Select); coding-DNA position 3518, G replaced by C.
Protein change: p.Ser1173Thr; replaces serine 1173 with threonine.
Molecular consequence: missense variant.
Genome position (GRCh38, 1-based): chr19:48,443,444, G>C. VCF-style: chr19-48443444-G-C. GRCh37 (hg19) VCF-style: chr19-48946701-G-C.
Other names: short protein forms S1173T.
Identifiers: ClinVar variation 2629396 (VCV002629396.1), dbSNP rs1160229233, ClinGen allele CA406676634.

ClinVar aggregate classification (germline): Uncertain significance (1 of 4 stars; one submission).

Conditions:
GRIN2D-related disorder. Also called: GRIN2D-related condition.

Allele frequency attached by ClinVar (database versions not stated): gnomAD exomes below 0.00001; gnomAD 0.00001.
gnomAD v4.1: 2 of 1,385,368 alleles (0.00014%); highest among the groups gnomAD compares: African/African-American, 0.003%; no homozygotes.

Submission:

PreventionGenetics, part of Exact Sciences
Classification: Uncertain significance for GRIN2D-related condition. Last evaluated: 2023-01-13. Review status: criteria provided, single submitter. Criteria: ACMG Guidelines, 2015. Collection method: clinical testing. Allele origin: germline.
Comment: The GRIN2D c.3518G>C variant is predicted to result in the amino acid substitution p.Ser1173Thr. To our knowledge, this variant has not been reported in the literature. This variant is reported in 0.012% of alleles in individuals of African descent in gnomAD. At this time, the clinical significance of this variant is uncertain due to the absence of conclusive functional and genetic evidence.